The following is an entry in ClinVar:

ClinVar aggregate classification (germline): Uncertain significance (1 of 4 stars; one submission).

Conditions:
Melanoma, cutaneous malignant, susceptibility to, 5. Also called: Cutaneous malignant melanoma 5. Identifiers: Orphanet 618, MedGen C2751295, MONDO:0013133, OMIM 613099.

Submission:

Labcorp Genetics (formerly Invitae), Labcorp
Classification: Uncertain significance for Melanoma, cutaneous malignant, susceptibility to, 5. Last evaluated: 2024-10-13. Review status: criteria provided, single submitter. Criteria: Invitae Variant Classification Sherloc (09022015). Collection method: clinical testing. Allele origin: germline.
Comment: This sequence change affects codon 196 of the MC1R mRNA. It is a 'silent' change, meaning that it does not change the encoded amino acid sequence of the MC1R protein. This variant is not present in population databases (gnomAD no frequency). This variant has not been reported in the literature in individuals affected with MC1R-related conditions. In summary, the available evidence is currently insufficient to determine the role of this variant in disease. Therefore, it has been classified as a Variant of Uncertain Significance.

NM_002386.4(MC1R):c.588C>T (p.Phe196=)

Gene: MC1R (melanocortin 1 receptor; plus strand). Cytogenetic location: 16q24.3.
Variant type: single nucleotide variant.
Coding change: c.588C>T on transcript NM_002386.4 (MANE Select); coding-DNA position 588, C replaced by T.
Protein change: p.Phe196=; no amino-acid change (phenylalanine 196 retained).
Molecular consequence: synonymous variant.
Genome position (GRCh38, 1-based): chr16:89,919,846, C>T. VCF-style: chr16-89919846-C-T. GRCh37 (hg19) VCF-style: chr16-89986254-C-T.
Identifiers: ClinVar variation 3706509 (VCV003706509.2).